The following is an entry in ClinVar:

ClinVar aggregate classification (germline): Conflicting classifications of pathogenicity. Review status: criteria provided, conflicting classifications (1 of 4 stars). 3 submissions from 3 submitters: Uncertain significance (1); Likely benign (1). 1 of the submissions does not count toward it. Last evaluated 2024-08-14.

Conditions:
LEPR-related disorder. Also called: LEPR-related disorders; LEPR-related condition.
Obesity due to leptin receptor gene deficiency. Identifiers: Orphanet 179494, MedGen C3554225, MONDO:0013992, OMIM 614963.

Allele frequency attached by ClinVar (database versions not stated): gnomAD exomes 0.00001; ExAC 0.00006; gnomAD 0.00007; TOPMed 0.00015; 1000 Genomes Project 0.00020; ESP Exome Variant Server 0.00023; 1000 Genomes Project 30x 0.00031.
gnomAD v4.1: 22 of 1,613,426 alleles (0.0014%); highest among the groups gnomAD compares: African/African-American, 0.029%; no homozygotes.

Submissions (3):

Revvity Omics, Revvity
Classification: Uncertain significance for Obesity due to leptin receptor gene deficiency. Last evaluated: 2024-08-14. Review status: criteria provided, single submitter. Criteria: ACMG Guidelines, 2015. Collection method: clinical testing. Allele origin: germline.

Labcorp Genetics (formerly Invitae), Labcorp
Classification: Likely benign. Last evaluated: 2022-02-28. Review status: criteria provided, single submitter. Criteria: Invitae Variant Classification Sherloc (09022015). Collection method: clinical testing. Allele origin: germline.

PreventionGenetics, part of Exact Sciences
Classification: Uncertain significance for LEPR-related condition. Last evaluated: 2024-04-05. Review status: no assertion criteria provided. Collection method: clinical testing. Allele origin: germline. Not counted in ClinVar's aggregate classification.
Comment: The LEPR c.575A>C variant is predicted to result in the amino acid substitution p.Glu192Ala. This variant was observed in a cohort of individuals with obesity, and in vitro functional studies showed this variant did not reduce protein function and could cause increased function (Supplemental Data Set 3, Shah et al. 2023. PubMed ID: 36864747). This variant is reported in 0.036% of alleles in individuals of African descent in gnomAD. At this time, the clinical significance of this variant is uncertain due to the absence of conclusive functional and genetic evidence.

NM_002303.6(LEPR):c.575A>C (p.Glu192Ala)

Gene: LEPR (leptin receptor; plus strand). Cytogenetic location: 1p31.3.
Variant type: single nucleotide variant.
Coding change: c.575A>C on transcript NM_002303.6 (MANE Select); coding-DNA position 575, A replaced by C.
Protein change: p.Glu192Ala; replaces glutamic acid 192 with alanine.
Molecular consequence: missense variant.
Genome position (GRCh38, 1-based): chr1:65,592,737, A>C. VCF-style: chr1-65592737-A-C. GRCh37 (hg19) VCF-style: chr1-66058420-A-C.
Other names: c.575A>C, p.Glu192Ala (NM_001003679.3, NM_001003680.3, NM_001198687.2 and 2 more transcripts); short protein forms E192A.
Identifiers: ClinVar variation 1901927 (VCV001901927.9), dbSNP rs371233505, ClinGen allele CA894588.